The following is an entry in ClinVar:

NM_000548.5(TSC2):c.4526T>C (p.Phe1509Ser)

Gene: TSC2 (TSC complex subunit 2; plus strand). Cytogenetic location: 16p13.3.
Variant type: single nucleotide variant.
Coding change: c.4526T>C on transcript NM_000548.5 (MANE Select); coding-DNA position 4526, T replaced by C.
Protein change: p.Phe1509Ser; replaces phenylalanine 1509 with serine.
Molecular consequence: missense variant. On other transcripts: non-coding transcript variant (5).
Genome position (GRCh38, 1-based): chr16:2,084,983, T>C. VCF-style: chr16-2084983-T-C. GRCh37 (hg19) VCF-style: chr16-2134984-T-C.
Other names: c.4325T>C, p.Phe1442Ser (NM_001077183.3); c.4457T>C, p.Phe1486Ser (NM_001114382.3); c.4217T>C, p.Phe1406Ser (NM_001318827.2); c.4181T>C, p.Phe1394Ser (NM_001318829.2); c.3794T>C, p.Phe1265Ser (NM_001318831.2); c.4358T>C, p.Phe1453Ser (NM_001318832.2); c.4328T>C, p.Phe1443Ser (NM_001363528.2); c.4394T>C, p.Phe1465Ser (NM_001370404.1); and 26 more; short protein forms F1017S, F1018S, F1038S, F1242S, F1243S, F1265S, F1285S, F1286S.
Identifiers: ClinVar variation 3071040 (VCV003071040.1), dbSNP rs2544305439, ClinGen allele CA394302834.
Genomic context (GRCh38, chr16:2,084,983, plus strand): 5'-GGGTGCCCACCATCCCCTCCCTGTGCAGTTTCGTGTTCCTGCAGCTCTACCATTCCCCCT[T>C]CTTTGGCGACGAGTCAAACAAGCCAATCCTGCTGCCCAATGAGGTAGGCGTGGCCTCCCT-3'
Protein context (NP_000539.2, residues 1499-1519): FVFLQLYHSP[Phe1509Ser]FGDESNKPIL

ClinVar aggregate classification (germline): Uncertain significance (1 of 4 stars; one submission).

Conditions:
Tuberous sclerosis syndrome (TSC). Also called: Tuberous Sclerosis Complex; Tuberous sclerosis. Identifiers: Orphanet 805, MedGen C0041341, MONDO:0001734.

Submission:

All of Us Research Program, National Institutes of Health
Classification: Uncertain significance for Tuberous sclerosis syndrome. Last evaluated: 2023-05-16. Review status: criteria provided, single submitter. Criteria: ACMG Guidelines, 2015. Collection method: clinical testing. Allele origin: germline. Inheritance: Autosomal dominant inheritance. Observed: 1 variant allele, 1 heterozygote.
Comment: This missense variant replaces phenylalanine with serine at codon 1509 of the TSC2 protein. Computational prediction suggests that this variant may have deleterious impact on protein structure and function (internally defined REVEL score threshold >= 0.7, PMID: 27666373). To our knowledge, functional studies have not been reported for this variant. This variant has not been reported in individuals affected with tuberous sclerosis complex in the literature. This variant has not been identified in the general population by the Genome Aggregation Database (gnomAD). The available evidence is insufficient to determine the role of this variant in disease conclusively. Therefore, this variant is classified as a Variant of Uncertain Significance.

This study involves interpretation of variants in research participants for the purpose of population health screening. Participant phenotype was not available at the time of variant classification. Additional details can be found in publication PMID: 35346344, PMCID: PMC8962531